The following is an entry in ClinVar:

ClinVar aggregate classification (germline): Uncertain significance (0 of 4 stars; one submission).

Conditions:
Prostate cancer. Also called: Malignant tumor of prostate. Identifiers: Orphanet 1331, MedGen C0376358, MONDO:0008315, HP:0012125.

Submission:

Science for Life laboratory,  Karolinska Institutet
Classification: Uncertain significance for Malignant tumor of prostate. Review status: no assertion criteria provided. Collection method: not provided. Allele origin: somatic.
Comment: TumorID:SWE-14
ClinVar note: Converted during submission from Unknown to Uncertain significance.

NM_001144068.2(ZNF772):c.10_11insGGC (p.Ala4delinsGlyPro)

Genes: ZNF772 (zinc finger protein 772; minus strand), LOC126862945 (MED14-independent group 3 enhancer GRCh37_chr19:57988249-57989448; plus strand). Cytogenetic location: 19q13.43.
Variant type: Insertion.
Coding change: c.10_11insGGC on transcript NM_001144068.2 (MANE Select); coding-DNA positions 10 to 11, GGC inserted.
Protein change: p.Ala4delinsGlyPro.
Molecular consequence: inframe indel. On other transcripts: 5 prime UTR variant (1).
Genome position: GRCh38 VCF-style: chr19-57477299-G-GGCC. GRCh37 (hg19) VCF-style: chr19-57988667-G-GGCC.
Other names: c.10_11insGGC, p.Ala4delinsGlyPro (NM_001024596.3); c.-77_-76insGGC (NM_001330613.2).
Identifiers: ClinVar variation 161496 (VCV000161496.2), dbSNP rs193920834, ClinGen allele CA174141.